The following is an entry in ClinVar:

ClinVar aggregate classification (germline): Uncertain significance (1 of 4 stars; one submission).

Conditions:
KDM6B-related disorder. Also called: KDM6B-related condition.

Submission:

PreventionGenetics, part of Exact Sciences
Classification: Uncertain significance for KDM6B-related condition. Last evaluated: 2025-04-01. Review status: criteria provided, single submitter. Criteria: ACMG Guidelines, 2015. Collection method: clinical testing. Allele origin: germline.
Comment: The KDM6B c.2204C>G variant is predicted to result in the amino acid substitution p.Pro735Arg. To our knowledge, this variant has not been reported in the literature or in a large population database, indicating this variant is rare. At this time, the clinical significance of this variant is uncertain due to the absence of conclusive functional and genetic evidence.

NM_001348716.2(KDM6B):c.2204C>G (p.Pro735Arg)

Gene: KDM6B (lysine demethylase 6B; plus strand). Cytogenetic location: 17p13.1.
Variant type: single nucleotide variant.
Coding change: c.2204C>G on transcript NM_001348716.2 (MANE Select); coding-DNA position 2204, C replaced by G.
Protein change: p.Pro735Arg; replaces proline 735 with arginine.
Molecular consequence: missense variant.
Genome position (GRCh38, 1-based): chr17:7,848,492, C>G. VCF-style: chr17-7848492-C-G. GRCh37 (hg19) VCF-style: chr17-7751810-C-G.
Other names: c.2204C>G, p.Pro735Arg (NM_001080424.2); short protein forms P735R.
Identifiers: ClinVar variation 2637168 (VCV002637168.2), dbSNP rs746956799, ClinGen allele CA397919223.